The following is an entry in ClinVar:

ClinVar aggregate classification (germline): Conflicting classifications of pathogenicity. Review status: criteria provided, conflicting classifications (1 of 4 stars). 3 submissions from 3 submitters: Uncertain significance (2); Likely benign (1). Last evaluated 2025-10-24.

Conditions:
Progressive sclerosing poliodystrophy (MTDPS4A). Also called: ALPERS PROGRESSIVE INFANTILE POLIODYSTROPHY; ALPERS DIFFUSE DEGENERATION OF CEREBRAL GRAY MATTER WITH HEPATIC CIRRHOSIS; Alpers-Huttenlocher Syndrome; NEURONAL DEGENERATION OF CHILDHOOD WITH LIVER DISEASE, PROGRESSIVE; Alpers Syndrome; Mitochondrial DNA Depletion Syndrome 4A. Identifiers: Orphanet 726, MedGen C0205710, MONDO:0008758, OMIM 203700.

Allele frequency attached by ClinVar (database versions not stated): TOPMed below 0.00001; gnomAD 0.00005 and 0.00006; gnomAD exomes 0.00006.
gnomAD v4.1: 92 of 1,613,150 alleles (0.0057%); highest among the groups gnomAD compares: South Asian, 0.012%; 1 homozygote.

Submissions (3):

Labcorp Genetics (formerly Invitae), Labcorp
Classification: Likely benign for Progressive sclerosing poliodystrophy. Last evaluated: 2025-10-24. Review status: criteria provided, single submitter. Criteria: Invitae Variant Classification Sherloc (09022015). Collection method: clinical testing. Allele origin: germline.

Women's Health and Genetics/Laboratory Corporation of America, LabCorp
Classification: Uncertain significance. Last evaluated: 2025-10-01. Review status: criteria provided, single submitter. Criteria: LabCorp Variant Classification Summary - May 2015. Collection method: clinical testing. Allele origin: germline.
Comment: Variant summary: POLG c.722C>T (p.Pro241Leu) results in a non-conservative amino acid change in the encoded protein sequence. Algorithms developed to predict the effect of missense changes on protein structure and function are either unavailable or do not agree on the potential impact of this missense change. The variant allele was found at a frequency of 5.7e-05 in 1613150 control chromosomes in the gnomAD database, including 1 homozygotes. This frequency is not significantly higher than estimated for disease-causing variants in POLG, allowing no conclusion about variant significance. To our knowledge, no occurrence of c.722C>T in individuals affected with POLG-related conditions and no experimental evidence demonstrating its impact on protein function have been reported. ClinVar contains an entry for this variant (Variation ID: 1026332). Based on the evidence outlined above, the variant was classified as uncertain significance.

Mayo Clinic Laboratories, Mayo Clinic
Classification: Uncertain significance. Last evaluated: 2023-12-19. Review status: criteria provided, single submitter. Criteria: ACMG Guidelines, 2015. Collection method: clinical testing. Allele origin: germline. Observed: 1 variant allele.

Literature cited by the submitters: PubMed 17846414 (cited by Mayo Clinic Laboratories, Mayo Clinic); PubMed 23251356 (cited by Mayo Clinic Laboratories, Mayo Clinic); PubMed 25462018 (cited by Mayo Clinic Laboratories, Mayo Clinic); PubMed 27987238 (cited by Mayo Clinic Laboratories, Mayo Clinic).

NM_002693.3(POLG):c.722C>T (p.Pro241Leu)

Genes: POLG (DNA polymerase gamma, catalytic subunit; minus strand), POLGARF (POLG alternative reading frame; minus strand). Cytogenetic location: 15q26.1.
Variant type: single nucleotide variant.
Coding change: c.722C>T on transcript NM_002693.3 (MANE Select); coding-DNA position 722, C replaced by T.
Protein change: p.Pro241Leu; replaces proline 241 with leucine.
Molecular consequence: missense variant.
Genome position (GRCh38, 1-based): chr15:89,330,214, G>A on the plus strand (C>T on the coding strand, the complement: POLG is on the minus strand). VCF-style: chr15-89330214-G-A. GRCh37 (hg19) VCF-style: chr15-89873445-G-A.
Other names: p.Pro241Leu; c.722C>T, p.Pro241Leu (NM_001126131.2); c.722C>T (NM_002693.2); short protein forms P241L.
Identifiers: ClinVar variation 1026332 (VCV001026332.11), dbSNP rs1452571273, ClinGen allele CA393767074.